The following is an entry in ClinVar:

ClinVar aggregate classification (germline): Uncertain significance (1 of 4 stars; one submission).

Conditions:
Cardiovascular phenotype. Identifiers: MedGen CN230736.
Hereditary cancer-predisposing syndrome. Also called: Tumor predisposition; Neoplastic Syndromes, Hereditary; Hereditary Cancer Syndrome; Hereditary neoplastic syndrome. Identifiers: Orphanet 140162, MedGen C0027672, MeSH D009386, MONDO:0015356.

Submission:

Ambry Genetics
Classification: Uncertain significance for Cardiovascular phenotype; Hereditary cancer-predisposing syndrome. Last evaluated: 2025-03-12. Review status: criteria provided, single submitter. Criteria: Ambry Variant Classification Scheme 2023. Collection method: clinical testing. Allele origin: germline.
Comment: The c.5902T>A (p.Y1968N) alteration is located in exon 39 (coding exon 39) of the NF1 gene. This alteration results from a T to A substitution at nucleotide position 5902, causing the tyrosine (Y) at amino acid position 1968 to be replaced by an asparagine (N). This variant was not reported in population-based cohorts in the Genome Aggregation Database (gnomAD). This amino acid position is highly conserved in available vertebrate species. This alteration is predicted to be deleterious by in silico analysis. Based on insufficient or conflicting evidence, the clinical significance of this alteration remains unclear.

NM_001042492.3(NF1):c.5965T>A (p.Tyr1989Asn)

Gene: NF1 (neurofibromin 1; plus strand). Cytogenetic location: 17q11.2.
Variant type: single nucleotide variant.
Coding change: c.5965T>A on transcript NM_001042492.3 (MANE Select); coding-DNA position 5965, T replaced by A.
Protein change: p.Tyr1989Asn; replaces tyrosine 1989 with asparagine.
Molecular consequence: missense variant.
Genome position (GRCh38, 1-based): chr17:31,334,990, T>A. VCF-style: chr17-31334990-T-A. GRCh37 (hg19) VCF-style: chr17-29662008-T-A.
Other names: c.5902T>A, p.Tyr1968Asn (NM_000267.4); short protein forms Y1968N, Y1989N.
Identifiers: ClinVar variation 3879156 (VCV003879156.1).